The following is an entry in ClinVar:

ClinVar aggregate classification (germline): Uncertain significance (1 of 4 stars; one submission).

Submission:

Labcorp Genetics (formerly Invitae), Labcorp
Classification: Uncertain significance. Last evaluated: 2022-07-09. Review status: criteria provided, single submitter. Criteria: Invitae Variant Classification Sherloc (09022015). Collection method: clinical testing. Allele origin: germline.
Comment: This sequence change falls in intron 13 of the PLOD2 gene. It does not directly change the encoded amino acid sequence of the PLOD2 protein. This variant is not present in population databases (gnomAD no frequency). This variant has not been reported in the literature in individuals affected with PLOD2-related conditions. Algorithms developed to predict the effect of sequence changes on RNA splicing suggest that this variant may disrupt the consensus splice site. In summary, the available evidence is currently insufficient to determine the role of this variant in disease. Therefore, it has been classified as a Variant of Uncertain Significance.

NM_182943.3(PLOD2):c.1501-6T>C

Gene: PLOD2 (procollagen-lysine,2-oxoglutarate 5-dioxygenase 2; minus strand). Cytogenetic location: 3q24.
Variant type: single nucleotide variant.
Coding change: c.1501-6T>C on transcript NM_182943.3 (MANE Select); 6 bases into the intron before coding-DNA position 1501, T replaced by C.
Molecular consequence: intron variant.
Genome position (GRCh38, 1-based): chr3:146,077,930, A>G on the plus strand (T>C on the coding strand, the complement: PLOD2 is on the minus strand). VCF-style: chr3-146077930-A-G. GRCh37 (hg19) VCF-style: chr3-145795717-A-G.
Other names: c.1501-1035T>C (NM_000935.3).
Identifiers: ClinVar variation 2015496 (VCV002015496.4), dbSNP rs2473234683, ClinGen allele CA2580068901.